The following is an entry in ClinVar:

ClinVar aggregate classification (germline): Likely benign. Review status: criteria provided, multiple submitters, no conflicts (2 of 4 stars). 5 submissions from 5 submitters: Likely benign (5). Last evaluated 2025-11-04.

Conditions:
Charcot-Marie-Tooth disease type 1C. Also called: CHARCOT-MARIE-TOOTH DISEASE, DEMYELINATING, TYPE 1C; CMT, SLOW NERVE CONDUCTION TYPE C; HMSN IC; Charcot-Marie-Tooth disease, type IC; CHARCOT-MARIE-TOOTH NEUROPATHY, TYPE 1C; NEUROPATHY, HEREDITARY MOTOR AND SENSORY, TYPE IC. Identifiers: Orphanet 101083, MedGen C0270913, MONDO:0010995, OMIM 601098.
Inborn genetic diseases. Identifiers: MedGen C0950123, MeSH D030342.

Allele frequency attached by ClinVar (database versions not stated): ESP Exome Variant Server 0.00008; ExAC 0.00014; gnomAD exomes 0.00014 and 0.00027; gnomAD 0.00017 and 0.00018; TOPMed 0.00019.
gnomAD v4.1: 254 of 1,613,950 alleles (0.016%); highest among the groups gnomAD compares: Middle Eastern, 0.016%; no homozygotes.

Submissions (5):

Labcorp Genetics (formerly Invitae), Labcorp
Classification: Likely benign for Charcot-Marie-Tooth disease type 1C. Last evaluated: 2025-11-04. Review status: criteria provided, single submitter. Criteria: Invitae Variant Classification Sherloc (09022015). Collection method: clinical testing. Allele origin: germline.

ARUP Laboratories, Molecular Genetics and Genomics, ARUP Laboratories
Classification: Likely benign for Charcot-Marie-Tooth disease type 1C. Last evaluated: 2024-01-09. Review status: criteria provided, single submitter. Criteria: ARUP Molecular Germline Variant Investigation Process 2024. Collection method: clinical testing. Allele origin: germline.

Ambry Genetics
Classification: Likely benign for Inborn genetic diseases. Last evaluated: 2021-11-05. Review status: criteria provided, single submitter. Criteria: Ambry Variant Classification Scheme 2023. Collection method: clinical testing. Allele origin: germline.

GeneDx
Classification: Likely benign. Last evaluated: 2021-03-31. Review status: criteria provided, single submitter. Criteria: GeneDx Variant Classification Process June 2021. Collection method: clinical testing. Allele origin: germline. Affected: yes.

Illumina Laboratory Services, Illumina
Classification: Likely benign for Charcot-Marie-Tooth disease type 1C. Last evaluated: 2018-01-13. Review status: criteria provided, single submitter. Criteria: ICSL Variant Classification Criteria 13 December 2019. Collection method: clinical testing. Allele origin: germline.
Comment: This variant was observed in the ICSL laboratory as part of a predisposition screen in an ostensibly healthy population. It had not been previously curated by ICSL or reported in the Human Gene Mutation Database (HGMD: prior to June 1st, 2018), and was therefore a candidate for classification through an automated scoring system. Utilizing variant allele frequency, disease prevalence and penetrance estimates, and inheritance mode, an automated score was calculated to assess if this variant is too frequent to cause the disease. Based on the score and internal cut-off values, a variant classified as likely benign is not then subjected to further curation. The score for this variant resulted in a classification of likely benign for this disease.

NM_001136472.2(LITAF):c.241G>A (p.Val81Met)

Gene: LITAF (lipopolysaccharide induced TNF factor; minus strand). Cytogenetic location: 16p13.13.
Variant type: single nucleotide variant.
Coding change: c.241G>A on transcript NM_001136472.2 (MANE Select); coding-DNA position 241, G replaced by A.
Protein change: p.Val81Met; replaces valine 81 with methionine.
Molecular consequence: missense variant. On other transcripts: non-coding transcript variant (1).
Genome position (GRCh38, 1-based): chr16:11,553,669, C>T on the plus strand (G>A on the coding strand, the complement: LITAF is on the minus strand). VCF-style: chr16-11553669-C-T. GRCh37 (hg19) VCF-style: chr16-11647525-C-T.
Other names: c.241G>A, p.Val81Met (NM_001136473.1, NM_004862.4); short protein forms V81M.
Identifiers: ClinVar variation 317783 (VCV000317783.22), dbSNP rs201653834, ClinGen allele CA7904103.